The following is an entry in ClinVar:

ClinVar aggregate classification (germline): Uncertain significance. Review status: criteria provided, multiple submitters, no conflicts (2 of 4 stars). 3 submissions from 3 submitters: Uncertain significance (3). Last evaluated 2025-08-14.

Conditions:
Inborn genetic diseases. Identifiers: MedGen C0950123, MeSH D030342.

Allele frequency attached by ClinVar (database versions not stated): gnomAD 0.00001; TOPMed 0.00003; gnomAD exomes 0.00005 and 0.00011; ExAC 0.00010.
gnomAD v4.1: 84 of 1,613,492 alleles (0.0052%); highest among the groups gnomAD compares: Admixed American, 0.033%; 1 homozygote.

Submissions (3):

Ambry Genetics
Classification: Uncertain significance for Inborn genetic diseases. Last evaluated: 2025-08-14. Review status: criteria provided, single submitter. Criteria: Ambry Variant Classification Scheme 2023. Collection method: clinical testing. Allele origin: germline.

GeneDx
Classification: Uncertain significance. Last evaluated: 2024-05-01. Review status: criteria provided, single submitter. Criteria: GeneDx Variant Classification Process June 2021. Collection method: clinical testing. Allele origin: germline. Affected: yes.
Comment: In silico analysis indicates that this missense variant does not alter protein structure/function; Has not been previously published as pathogenic or benign to our knowledge

Labcorp Genetics (formerly Invitae), Labcorp
Classification: Uncertain significance. Last evaluated: 2022-08-09. Review status: criteria provided, single submitter. Criteria: Invitae Variant Classification Sherloc (09022015). Collection method: clinical testing. Allele origin: germline.
Comment: This sequence change replaces serine, which is neutral and polar, with asparagine, which is neutral and polar, at codon 77 of the TBCK protein (p.Ser77Asn). This variant is present in population databases (rs751833677, gnomAD 0.05%). This variant has not been reported in the literature in individuals affected with TBCK-related conditions. ClinVar contains an entry for this variant (Variation ID: 1413805). Algorithms developed to predict the effect of missense changes on protein structure and function output the following: SIFT: "Tolerated"; PolyPhen-2: "Benign"; Align-GVGD: "Class C0". The asparagine amino acid residue is found in multiple mammalian species, which suggests that this missense change does not adversely affect protein function. In summary, the available evidence is currently insufficient to determine the role of this variant in disease. Therefore, it has been classified as a Variant of Uncertain Significance.

NM_001163435.3(TBCK):c.230G>A (p.Ser77Asn)

Gene: TBCK (TBC1 domain containing kinase; minus strand). Cytogenetic location: 4q24.
Variant type: single nucleotide variant.
Coding change: c.230G>A on transcript NM_001163435.3 (MANE Select); coding-DNA position 230, G replaced by A.
Protein change: p.Ser77Asn; replaces serine 77 with asparagine.
Molecular consequence: missense variant. On other transcripts: 5 prime UTR variant (1).
Genome position (GRCh38, 1-based): chr4:106,295,130, C>T on the plus strand (G>A on the coding strand, the complement: TBCK is on the minus strand). VCF-style: chr4-106295130-C-T. GRCh37 (hg19) VCF-style: chr4-107216287-C-T.
Other names: c.230G>A (NM_001163435.2, NM_001163435.1); c.230G>A, p.Ser77Asn (NM_001163436.4, NM_001163437.3, NM_033115.5); c.-388G>A (NM_001290768.2); short protein forms S77N.
Identifiers: ClinVar variation 1413805 (VCV001413805.5), dbSNP rs751833677, ClinGen allele CA3035492.